The following is an entry in ClinVar:

ClinVar aggregate classification (germline): Uncertain significance. Review status: criteria provided, multiple submitters, no conflicts (2 of 4 stars). 2 submissions from 2 submitters: Uncertain significance (2). Last evaluated 2025-07-02.

Submissions (2):

Women's Health and Genetics/Laboratory Corporation of America, LabCorp
Classification: Uncertain significance. Last evaluated: 2025-07-02. Review status: criteria provided, single submitter. Criteria: LabCorp Variant Classification Summary - May 2015. Collection method: clinical testing. Allele origin: germline.
Comment: Variant summary: ATM c.2250G>T (p.Lys750Asn) results in a non-conservative amino acid change in the encoded protein sequence. Algorithms developed to predict the effect of missense changes on protein structure and function all suggest that this variant is likely to be disruptive. Several computational tools predict a significant impact on normal splicing: Two predict the variant weakens a 5' donor site and one predicts the variant abolishes this site. However, these predictions have yet to be confirmed by functional studies. The variant was absent in 250736 control chromosomes (gnomAD). c.2250G>T has been observed in an individual affected with Ataxia-Telangiectasia (Ratnaparkhe_2017). These data do not allow any conclusion about variant significance. To our knowledge, no experimental evidence demonstrating an impact on protein function has been reported. The following publication has been ascertained in the context of this evaluation (PMID: 28196983). No submitters have cited clinical-significance assessments for this variant to ClinVar. Based on the evidence outlined above, the variant was classified as uncertain significance.

Blueprint Genetics
Classification: Uncertain significance. Last evaluated: 2017-09-05. Review status: criteria provided, single submitter. Criteria: ACMG Guidelines, 2015. Collection method: clinical testing. Allele origin: germline.

Literature cited by the submitters: PubMed 28196983 (cited by Women's Health and Genetics/Laboratory Corporation of America, LabCorp).

NM_000051.4(ATM):c.2250G>T (p.Lys750Asn)

Gene: ATM (ATM serine/threonine kinase; plus strand). Cytogenetic location: 11q22.3.
Variant type: single nucleotide variant.
Coding change: c.2250G>T on transcript NM_000051.4 (MANE Select); coding-DNA position 2250, G replaced by T.
Protein change: p.Lys750Asn; replaces lysine 750 with asparagine.
Molecular consequence: missense variant.
Genome position (GRCh38, 1-based): chr11:108,256,340, G>T. VCF-style: chr11-108256340-G-T. GRCh37 (hg19) VCF-style: chr11-108127067-G-T.
Other names: c.2250G>T, p.Lys750Asn (NM_001351834.2); short protein forms K750N.
Identifiers: ClinVar variation 3911965 (VCV003911965.3).